The following is an entry in ClinVar:

ClinVar aggregate classification (germline): Uncertain significance (1 of 4 stars; one submission).

Conditions:
Cardiovascular phenotype. Identifiers: MedGen CN230736.

Allele frequency attached by ClinVar (database versions not stated): ExAC 0.00001.
gnomAD v4.1: 3 of 1,614,130 alleles (0.00019%); highest among the groups gnomAD compares: Non-Finnish European, 0.00025%; no homozygotes.

Submission:

Ambry Genetics
Classification: Uncertain significance for Cardiovascular phenotype. Last evaluated: 2021-03-11. Review status: criteria provided, single submitter. Criteria: Ambry Variant Classification Scheme 2023. Collection method: clinical testing. Allele origin: germline.
Comment: The p.R4035K variant (also known as c.12104G>A), located in coding exon 19 of the ALMS1 gene, results from a G to A substitution at nucleotide position 12104. The arginine at codon 4035 is replaced by lysine, an amino acid with highly similar properties. This amino acid position is not well conserved in available vertebrate species, and lysine is the reference amino acid in other vertebrate species. In addition, this alteration is predicted to be tolerated by in silico analysis. Since supporting evidence is limited at this time, the clinical significance of this alteration remains unclear.

NM_001378454.1(ALMS1):c.12101G>A (p.Arg4034Lys)

Genes: ALMS1 (ALMS1 centrosome and basal body associated protein; plus strand), LOC126806252 (BRD4-independent group 4 enhancer GRCh37_chr2:73828496-73829695; plus strand). Cytogenetic location: 2p13.1.
Variant type: single nucleotide variant.
Coding change: c.12101G>A on transcript NM_001378454.1 (MANE Select); coding-DNA position 12101, G replaced by A.
Protein change: p.Arg4034Lys; replaces arginine 4034 with lysine.
Molecular consequence: missense variant.
Genome position (GRCh38, 1-based): chr2:73,601,423, G>A. VCF-style: chr2-73601423-G-A. GRCh37 (hg19) VCF-style: chr2-73828550-G-A.
Other names: c.12104G>A, p.Arg4035Lys (NM_015120.4); short protein forms R4035K, R4034K.
Identifiers: ClinVar variation 1750218 (VCV001750218.2), dbSNP rs751756182, ClinGen allele CA1715424.